The following is an entry in ClinVar:

ClinVar aggregate classification (germline): Uncertain significance. Review status: criteria provided, multiple submitters, no conflicts (2 of 4 stars). 2 submissions from 2 submitters: Uncertain significance (2). Last evaluated 2025-09-08.

Conditions:
Inborn genetic diseases. Identifiers: MedGen C0950123, MeSH D030342.

Allele frequency attached by ClinVar (database versions not stated): gnomAD 0.00003; TOPMed 0.00003; gnomAD exomes 0.00009.
gnomAD v4.1: 135 of 1,614,010 alleles (0.0084%); highest among the groups gnomAD compares: Non-Finnish European, 0.011%; no homozygotes.

Submissions (2):

Ambry Genetics
Classification: Uncertain significance for Inborn genetic diseases. Last evaluated: 2025-09-08. Review status: criteria provided, single submitter. Criteria: Ambry Variant Classification Scheme 2023. Collection method: clinical testing. Allele origin: germline.

Labcorp Genetics (formerly Invitae), Labcorp
Classification: Uncertain significance. Last evaluated: 2022-08-22. Review status: criteria provided, single submitter. Criteria: Invitae Variant Classification Sherloc (09022015). Collection method: clinical testing. Allele origin: germline.
Comment: This sequence change replaces threonine, which is neutral and polar, with alanine, which is neutral and non-polar, at codon 76 of the FERMT1 protein (p.Thr76Ala). This variant is present in population databases (no rsID available, gnomAD 0.004%). This variant has not been reported in the literature in individuals affected with FERMT1-related conditions. Algorithms developed to predict the effect of missense changes on protein structure and function (SIFT, PolyPhen-2, Align-GVGD) all suggest that this variant is likely to be disruptive. In summary, the available evidence is currently insufficient to determine the role of this variant in disease. Therefore, it has been classified as a Variant of Uncertain Significance.

NM_017671.5(FERMT1):c.226A>G (p.Thr76Ala)

Gene: FERMT1 (FERM domain containing kindlin 1; minus strand). Cytogenetic location: 20p12.3.
Variant type: single nucleotide variant.
Coding change: c.226A>G on transcript NM_017671.5 (MANE Select); coding-DNA position 226, A replaced by G.
Protein change: p.Thr76Ala; replaces threonine 76 with alanine.
Molecular consequence: missense variant.
Genome position (GRCh38, 1-based): chr20:6,115,970, T>C on the plus strand (A>G on the coding strand, the complement: FERMT1 is on the minus strand). VCF-style: chr20-6115970-T-C. GRCh37 (hg19) VCF-style: chr20-6096617-T-C.
Other names: c.226A>G (NM_017671.4); short protein forms T76A.
Identifiers: ClinVar variation 2186624 (VCV002186624.2), dbSNP rs973160821, ClinGen allele CA311232801.
Genomic context (GRCh38, chr20:6,115,970, plus strand): 5'-TTTTATGCTGAGGGGTGAAGAGAAGCTTTGCATCTGCCTGGACCCCATATTTGTCCAGGG[T>C]CCAGTGGGTTTTCAGAAGCCAGCAATGCTTCTGTTCCCACCAAAGAGCAAAGTCTGACCA-3'
Protein context (NP_060141.3, residues 66-86): KHCWLLKTHW[Thr76Ala]LDKYGVQADA